The following is an entry in ClinVar:

ClinVar aggregate classification (germline): Uncertain significance (1 of 4 stars; one submission).

Submission:

GeneDx
Classification: Uncertain significance. Last evaluated: 2026-02-20. Review status: criteria provided, single submitter. Criteria: GeneDx Variant Classification Process June 2021. Collection method: clinical testing. Allele origin: germline.
Comment: In-frame duplication of 1 amino acid(s) in a non-repeat region; Not observed at significant frequency in large population cohorts (gnomAD); In silico analysis suggests that this variant does not alter protein structure/function; Has not been previously published as pathogenic or benign to our knowledge

NM_170606.3(KMT2C):c.10326TAG[4] (p.Ser3444_Arg3445insSer)

Gene: KMT2C (lysine methyltransferase 2C; minus strand). Cytogenetic location: 7q36.1.
Variant type: Microsatellite.
Coding change: c.10326TAG[4] on transcript NM_170606.3 (MANE Select); four copies in a row of the 3-base unit TAG starting at c.10326; the reference has three copies in a row; one copy, 3 bases duplicated.
Protein change: p.Ser3444_Arg3445insSer.
Molecular consequence: inframe insertion.
Genome position (GRCh38, 1-based): chr7:152,163,243-152,163,245, CTA duplicated on the plus strand (TAG on the coding strand, the reverse complement: KMT2C is on the minus strand); duplicating any 3 consecutive bases within chr7:152,163,243-152,163,253 gives the same sequence; the position shown is the placement nearest the transcript's 3' end. VCF-style (leftmost placement, unchanged base first): chr7-152163242-C-CCTA. GRCh37 (hg19) VCF-style: chr7-151860327-C-CCTA.
Identifiers: ClinVar variation 5009925 (VCV005009925.1).